The following is an entry in ClinVar:

NC_000019.9:g.(?_8197848)_(8198010_?)del

Gene: FBN3 (fibrillin 3; minus strand). Cytogenetic location: 19p13.2.
Variant type: Deletion.
Identifiers: ClinVar variation 3242717 (VCV003242717.1).

ClinVar aggregate classification (germline): Uncertain significance (1 of 4 stars; one submission).

Submission:

Labcorp Genetics (formerly Invitae), Labcorp
Classification: Uncertain significance. Last evaluated: 2023-11-07. Review status: criteria provided, single submitter. Criteria: Invitae Variant Classification Sherloc (09022015). Collection method: clinical testing. Allele origin: unknown.
Comment: This variant is a gross deletion of the genomic region encompassing exon(s) 14 of the FBN3 gene. This variant would be expected to be in-frame, preserving the integrity of the reading frame. This variant has not been reported in the literature in individuals affected with FBN3-related conditions. Experimental studies and prediction algorithms are not available or were not evaluated, and the functional significance of this variant is currently unknown. In summary, the available evidence is currently insufficient to determine the role of this variant in disease. Therefore, it has been classified as a Variant of Uncertain Significance.